The following is an entry in ClinVar:

ClinVar aggregate classification (germline): Uncertain significance. Review status: criteria provided, multiple submitters, no conflicts (2 of 4 stars). 2 submissions from 2 submitters: Uncertain significance (2). Last evaluated 2025-09-12.

Conditions:
Brugada syndrome. Also called: Sudden Unexplained Death Syndrome; Sudden Unexplained Nocturnal Death Syndrome (SUNDS); Sudden unexplained nocturnal death syndrome; Sudden unexpected nocturnal death syndrome. Identifiers: Orphanet 130, MedGen C1142166, MONDO:0015263.
Cardiovascular phenotype. Identifiers: MedGen CN230736.

Allele frequency attached by ClinVar (database versions not stated): ExAC 0.00001; gnomAD exomes 0.00001 and 0.00002; TOPMed 0.00001; gnomAD 0.00002.

Submissions (2):

Ambry Genetics
Classification: Uncertain significance for Cardiovascular phenotype. Last evaluated: 2025-09-12. Review status: criteria provided, single submitter. Criteria: Ambry Variant Classification Scheme 2023. Collection method: clinical testing. Allele origin: germline.
Comment: The p.M1483V variant (also known as c.4447A>G), located in coding exon 26 of the SCN10A gene, results from an A to G substitution at nucleotide position 4447. The methionine at codon 1483 is replaced by valine, an amino acid with highly similar properties. This amino acid position is conserved. In addition, this alteration is predicted to be deleterious by in silico analysis. Since supporting evidence is limited at this time, the clinical significance of this alteration remains unclear.

Labcorp Genetics (formerly Invitae), Labcorp
Classification: Uncertain significance for Brugada syndrome. Last evaluated: 2022-07-12. Review status: criteria provided, single submitter. Criteria: Invitae Variant Classification Sherloc (09022015). Collection method: clinical testing. Allele origin: germline.
Comment: In summary, the available evidence is currently insufficient to determine the role of this variant in disease. Therefore, it has been classified as a Variant of Uncertain Significance. Advanced modeling of protein sequence and biophysical properties (such as structural, functional, and spatial information, amino acid conservation, physicochemical variation, residue mobility, and thermodynamic stability) performed at Invitae indicates that this missense variant is expected to disrupt SCN10A protein function. ClinVar contains an entry for this variant (Variation ID: 1504989). This variant has not been reported in the literature in individuals affected with SCN10A-related conditions. This variant is present in population databases (rs749549443, gnomAD 0.0009%). This sequence change replaces methionine, which is neutral and non-polar, with valine, which is neutral and non-polar, at codon 1483 of the SCN10A protein (p.Met1483Val).

NM_006514.4(SCN10A):c.4447A>G (p.Met1483Val)

Gene: SCN10A (sodium voltage-gated channel alpha subunit 10; minus strand). Cytogenetic location: 3p22.2.
Variant type: single nucleotide variant.
Coding change: c.4447A>G on transcript NM_006514.4 (MANE Select); coding-DNA position 4447, A replaced by G.
Protein change: p.Met1483Val; replaces methionine 1483 with valine.
Molecular consequence: missense variant.
Genome position (GRCh38, 1-based): chr3:38,702,049, T>C on the plus strand (A>G on the coding strand, the complement: SCN10A is on the minus strand). VCF-style: chr3-38702049-T-C. GRCh37 (hg19) VCF-style: chr3-38743540-T-C.
Other names: c.4444A>G, p.Met1482Val (NM_001293306.2); c.4153A>G, p.Met1385Val (NM_001293307.2); short protein forms M1482V, M1385V, M1483V.
Identifiers: ClinVar variation 1504989 (VCV001504989.9), dbSNP rs749549443, ClinGen allele CA2319889.